The following is an entry in ClinVar:

ClinVar aggregate classification (germline): Conflicting classifications of pathogenicity. Review status: criteria provided, conflicting classifications (1 of 4 stars). 3 submissions from 3 submitters: Uncertain significance (1); Likely benign (1). 1 of the submissions does not count toward it. Last evaluated 2025-08-08.

Conditions:
BCL10-related disorder. Also called: BCL10-related condition.
Immunodeficiency 37 (IMD37). Identifiers: MedGen C4015195, MONDO:0014491, OMIM 616098.

Allele frequency attached by ClinVar (database versions not stated): gnomAD exomes 0.00002 and 0.00007; ExAC 0.00008; gnomAD 0.00020; TOPMed 0.00025; 1000 Genomes Project 0.00060; 1000 Genomes Project 30x 0.00062.
gnomAD v4.1: 68 of 1,597,184 alleles (0.0043%); highest among the groups gnomAD compares: African/African-American, 0.074%; no homozygotes.

Submissions (3):

Labcorp Genetics (formerly Invitae), Labcorp
Classification: Likely benign for Immunodeficiency 37. Last evaluated: 2025-08-08. Review status: criteria provided, single submitter. Criteria: Invitae Variant Classification Sherloc (09022015). Collection method: clinical testing. Allele origin: germline.

Blueprint Genetics
Classification: Uncertain significance. Last evaluated: 2022-03-28. Review status: criteria provided, single submitter. Criteria: ACMG Guidelines, 2015. Collection method: clinical testing. Allele origin: germline.

PreventionGenetics, part of Exact Sciences
Classification: Likely benign for BCL10-related condition. Last evaluated: 2019-11-26. Review status: no assertion criteria provided. Collection method: clinical testing. Allele origin: germline. Not counted in ClinVar's aggregate classification.
Comment: This variant is classified as likely benign based on ACMG/AMP sequence variant interpretation guidelines (Richards et al. 2015 PMID: 25741868, with internal and published modifications).

NM_003921.5(BCL10):c.58-5T>C

Gene: BCL10 (BCL10 immune signaling adaptor; minus strand). Cytogenetic location: 1p22.3.
Variant type: single nucleotide variant.
Coding change: c.58-5T>C on transcript NM_003921.5 (MANE Select); 5 bases into the intron before coding-DNA position 58, T replaced by C.
Molecular consequence: intron variant.
Genome position (GRCh38, 1-based): chr1:85,270,911, A>G on the plus strand (T>C on the coding strand, the complement: BCL10 is on the minus strand). VCF-style: chr1-85270911-A-G. GRCh37 (hg19) VCF-style: chr1-85736594-A-G.
Other names: c.58-5T>C (NM_001320715.2).
Identifiers: ClinVar variation 765188 (VCV000765188.14), dbSNP rs572902078, ClinGen allele CA929806.
Genomic context (GRCh38, chr1:85,270,911, plus strand): 5'-AAATGTCTCTCAGCTATGATTTTCTCACACAGGTATACACGTAAATTTTCTAAGGCCTAA[A>G]AGACATAAAATATGGTTCAATGTTATTTTTAACATCTAAGAAAATCACATACGTGACTAT-3'